The following is an entry in ClinVar:

NM_000092.5(COL4A4):c.2653G>C (p.Gly885Arg)

Gene: COL4A4 (collagen type IV alpha 4 chain; minus strand). Cytogenetic location: 2q36.3.
Variant type: single nucleotide variant.
Coding change: c.2653G>C on transcript NM_000092.5 (MANE Select); coding-DNA position 2653, G replaced by C.
Protein change: p.Gly885Arg; replaces glycine 885 with arginine.
Molecular consequence: missense variant.
Genome position (GRCh38, 1-based): chr2:227,056,008, C>G on the plus strand (G>C on the coding strand, the complement: COL4A4 is on the minus strand). VCF-style: chr2-227056008-C-G. GRCh37 (hg19) VCF-style: chr2-227920724-C-G.
Other names: short protein forms G885R.
Identifiers: ClinVar variation 3767028 (VCV003767028.1).
Genomic context (GRCh38, chr2:227,056,008, plus strand): 5'-TTGGACCTGGAGGACCAGGTAGCCCATCATCTCCAAAGGGACCTGGGATTCCTGGGAGGC[C>G]TGGGGGACCATGTGCCCCAGGCCGTCCTGGGAGTCCGGGGAGGCCTTTCATTCCAGCTGG-3'
Protein context (NP_000083.3, residues 875-895): PGRPGAHGPP[Gly885Arg]LPGIPGPFGD

ClinVar aggregate classification (germline): Likely pathogenic (1 of 4 stars; one submission).

Submission:

ARUP Laboratories, Molecular Genetics and Genomics, ARUP Laboratories
Classification: Likely pathogenic. Last evaluated: 2024-11-27. Review status: criteria provided, single submitter. Criteria: ARUP Molecular Germline Variant Investigation Process 2024. Collection method: clinical testing. Allele origin: germline.
Comment: The COL4A4 c.2653G>C; p.Gly885Arg variant, to our knowledge, is not reported in the medical literature or gene specific databases. This variant is also absent from the Genome Aggregation Database (v2.1.1), indicating it is not a common polymorphism. Computational analyses predict that this variant is deleterious (REVEL: 0.947). This codon is located in a Gly-X-Y triple helix repeat domain, and glycine substitutions are common pathogenic alterations in this gene (Uliana 2021). Additionally, a different missense variant at this codon (p.Gly885Asp) is reported in an individual with chronic kidney disease (Doreille 2022). Based on available information, the p.Gly885Arg variant is considered to be likely pathogenic. References: Doreille A et al. Exome-First Strategy in Adult Patients With CKD: A Cohort Study. Kidney Int Rep. 2022 Dec 17;8(3):596-605. PMID: 36938085. Savige J et al. Consensus statement on standards and guidelines for the molecular diagnostics of Alport syndrome: refining the ACMG criteria. Eur J Hum Genet. 2021 Aug;29(8):1186-1197. PMID: 33854215. Uliana V et al. Deciphering the pathogenesis of the COL4-related hematuric nephritis: A genotype/phenotype study. Mol Genet Genomic Med. 2021 Feb;9(2):e1576. PMID: 33369211.